The following is an entry in ClinVar:

ClinVar aggregate classification (germline): Uncertain significance (1 of 4 stars; one submission).

Conditions:
Cardiovascular phenotype. Identifiers: MedGen CN230736.

gnomAD v4.1: 1 of 1,563,388 alleles (0.000064%); no homozygotes.

Submission:

Ambry Genetics
Classification: Uncertain significance for Cardiovascular phenotype. Last evaluated: 2023-02-22. Review status: criteria provided, single submitter. Criteria: Ambry Variant Classification Scheme 2023. Collection method: clinical testing. Allele origin: germline.
Comment: The p.A4E variant (also known as c.11C>A), located in coding exon 1 of the GPD1L gene, results from a C to A substitution at nucleotide position 11. The alanine at codon 4 is replaced by glutamic acid, an amino acid with dissimilar properties. This amino acid position is well conserved in available vertebrate species. In addition, this alteration is predicted to be tolerated by in silico analysis. The evidence for this gene-disease relationship is limited; therefore, the clinical significance of this alteration is unclear.

NM_015141.4(GPD1L):c.11C>A (p.Ala4Glu)

Genes: GPD1L (glycerol-3-phosphate dehydrogenase 1 like; plus strand), LOC129936414 (ATAC-STARR-seq lymphoblastoid silent region 14165; plus strand). Cytogenetic location: 3p22.3.
Variant type: single nucleotide variant.
Coding change: c.11C>A on transcript NM_015141.4 (MANE Select); coding-DNA position 11, C replaced by A.
Protein change: p.Ala4Glu; replaces alanine 4 with glutamic acid.
Molecular consequence: missense variant.
Genome position (GRCh38, 1-based): chr3:32,106,722, C>A. VCF-style: chr3-32106722-C-A. GRCh37 (hg19) VCF-style: chr3-32148214-C-A.
Other names: short protein forms A4E.
Identifiers: ClinVar variation 3226637 (VCV003226637.1), dbSNP rs201152084, ClinGen allele CA351970169.